The following is an entry in ClinVar:

NM_001267550.2(TTN):c.61284G>A (p.Arg20428=)

Genes: TTN-AS1 (TTN antisense RNA 1; plus strand), TTN (titin; minus strand). Cytogenetic location: 2q31.2.
Variant type: single nucleotide variant.
Coding change: c.61284G>A on transcript NM_001267550.2 (MANE Select); coding-DNA position 61284, G replaced by A.
Protein change: p.Arg20428=; no amino-acid change (arginine 20428 retained).
Molecular consequence: synonymous variant.
Genome position (GRCh38, 1-based): chr2:178,590,441, C>T on the plus strand (G>A on the coding strand, the complement: TTN is on the minus strand). VCF-style: chr2-178590441-C-T. GRCh37 (hg19) VCF-style: chr2-179455168-C-T.
Other names: c.56361G>A, p.Arg18787= (NM_001256850.1); c.34089G>A, p.Arg11363= (NM_003319.4); c.53580G>A, p.Arg17860= (NM_133378.4); c.34464G>A, p.Arg11488= (NM_133432.3); c.34665G>A, p.Arg11555= (NM_133437.4).
Identifiers: ClinVar variation 1553578 (VCV001553578.35), dbSNP rs759762530, ClinGen allele CA1992387.

ClinVar aggregate classification (germline): Likely benign. Review status: criteria provided, multiple submitters, no conflicts (2 of 4 stars). 2 submissions from 2 submitters: Likely benign (2). Last evaluated 2025-11-03.

Conditions:
Dilated cardiomyopathy 1G (CMD1G). Identifiers: Orphanet 154, MedGen C1858763, MONDO:0011400, OMIM 604145.
Autosomal recessive limb-girdle muscular dystrophy type 2J (LGMDR10). Also called: MUSCULAR DYSTROPHY, LIMB-GIRDLE, AUTOSOMAL RECESSIVE 10; Limb-girdle muscular dystrophy, type 2J. Identifiers: Orphanet 140922, MedGen C1837342, MONDO:0012127, OMIM 608807.

Allele frequency attached by ClinVar (database versions not stated): gnomAD exomes below 0.00001 and 0.00001; ExAC 0.00002.
gnomAD v4.1: 4 of 1,612,832 alleles (0.00025%); highest among the groups gnomAD compares: Middle Eastern, 0.05%; no homozygotes.

Submissions (2):

Labcorp Genetics (formerly Invitae), Labcorp
Classification: Likely benign for Dilated cardiomyopathy 1G; Autosomal recessive limb-girdle muscular dystrophy type 2J. Last evaluated: 2025-11-03. Review status: criteria provided, single submitter. Criteria: Invitae Variant Classification Sherloc (09022015). Collection method: clinical testing. Allele origin: germline.

CeGaT Center for Human Genetics Tuebingen
Classification: Likely benign. Last evaluated: 2024-03-01. Review status: criteria provided, single submitter. Criteria: CeGaT Center For Human Genetics Tuebingen Variant Classification Criteria Version 2. Collection method: clinical testing. Allele origin: germline. Affected: yes. Observed: 5 variant alleles.
Comment: TTN: BP4, BP7